The following is an entry in ClinVar:

ClinVar aggregate classification (germline): Uncertain significance (1 of 4 stars; one submission).

Allele frequency attached by ClinVar (database versions not stated): TOPMed 0.00002; 1000 Genomes Project 30x 0.00016; 1000 Genomes Project 0.00020.
gnomAD v4.1: 14 of 1,614,248 alleles (0.00087%); highest among the groups gnomAD compares: Admixed American, 0.0033%; no homozygotes.

Submission:

Labcorp Genetics (formerly Invitae), Labcorp
Classification: Uncertain significance. Last evaluated: 2021-09-29. Review status: criteria provided, single submitter. Criteria: Invitae Variant Classification Sherloc (09022015). Collection method: clinical testing. Allele origin: germline.
Comment: In summary, the available evidence is currently insufficient to determine the role of this variant in disease. Therefore, it has been classified as a Variant of Uncertain Significance. Algorithms developed to predict the effect of missense changes on protein structure and function (SIFT, PolyPhen-2, Align-GVGD) all suggest that this variant is likely to be disruptive. This variant has not been reported in the literature in individuals affected with ACOX2-related conditions. This variant is present in population databases (rs201115263, ExAC 0.01%). This sequence change replaces arginine with cysteine at codon 318 of the ACOX2 protein (p.Arg318Cys). The arginine residue is highly conserved and there is a large physicochemical difference between arginine and cysteine.

NM_003500.4(ACOX2):c.952C>T (p.Arg318Cys)

Gene: ACOX2 (acyl-CoA oxidase 2; minus strand). Cytogenetic location: 3p14.3.
Variant type: single nucleotide variant.
Coding change: c.952C>T on transcript NM_003500.4 (MANE Select); coding-DNA position 952, C replaced by T.
Protein change: p.Arg318Cys; replaces arginine 318 with cysteine.
Molecular consequence: missense variant.
Genome position (GRCh38, 1-based): chr3:58,530,506, G>A on the plus strand (C>T on the coding strand, the complement: ACOX2 is on the minus strand). VCF-style: chr3-58530506-G-A. GRCh37 (hg19) VCF-style: chr3-58516233-G-A.
Other names: short protein forms R318C.
Identifiers: ClinVar variation 1383419 (VCV001383419.6), dbSNP rs201115263, ClinGen allele CA2472224.